The following is an entry in ClinVar:

NM_178822.5(IGSF10):c.2351C>T (p.Thr784Ile)

Gene: IGSF10 (immunoglobulin superfamily member 10; minus strand). Cytogenetic location: 3q25.1.
Variant type: single nucleotide variant.
Coding change: c.2351C>T on transcript NM_178822.5 (MANE Select); coding-DNA position 2351, C replaced by T.
Protein change: p.Thr784Ile; replaces threonine 784 with isoleucine.
Molecular consequence: missense variant.
Genome position (GRCh38, 1-based): chr3:151,447,630, G>A on the plus strand (C>T on the coding strand, the complement: IGSF10 is on the minus strand). VCF-style: chr3-151447630-G-A. GRCh37 (hg19) VCF-style: chr3-151165418-G-A.
Other names: c.2351C>T, p.Thr784Ile (NM_001385060.1, NM_001385061.1, NM_001385062.1 and 1 more transcripts); short protein forms T784I.
Identifiers: ClinVar variation 2384162 (VCV002384162.5), dbSNP rs768439696, ClinGen allele CA2670358.

ClinVar aggregate classification (germline): Uncertain significance. Review status: criteria provided, multiple submitters, no conflicts (2 of 4 stars). 2 submissions from 2 submitters: Uncertain significance (2). Last evaluated 2025-10-22.

Allele frequency attached by ClinVar (database versions not stated): ExAC 0.00004; gnomAD exomes 0.00004; TOPMed 0.00005; gnomAD 0.00007.
gnomAD v4.1: 74 of 1,614,042 alleles (0.0046%); highest among the groups gnomAD compares: Non-Finnish European, 0.0058%; no homozygotes.

Submissions (2):

Ambry Genetics
Classification: Uncertain significance. Last evaluated: 2025-10-22. Review status: criteria provided, single submitter. Criteria: Ambry Variant Classification Scheme 2023. Collection method: clinical testing. Allele origin: germline.

Labcorp Genetics (formerly Invitae), Labcorp
Classification: Uncertain significance. Last evaluated: 2024-12-19. Review status: criteria provided, single submitter. Criteria: Invitae Variant Classification Sherloc (09022015). Collection method: clinical testing. Allele origin: germline.
Comment: This sequence change replaces threonine, which is neutral and polar, with isoleucine, which is neutral and non-polar, at codon 784 of the IGSF10 protein (p.Thr784Ile). This variant is present in population databases (rs768439696, gnomAD 0.009%). This variant has not been reported in the literature in individuals affected with IGSF10-related conditions. ClinVar contains an entry for this variant (Variation ID: 2384162). An algorithm developed to predict the effect of missense changes on protein structure and function outputs the following: PolyPhen-2: "Benign". The isoleucine amino acid residue is found in multiple mammalian species, which suggests that this missense change does not adversely affect protein function. In summary, the available evidence is currently insufficient to determine the role of this variant in disease. Therefore, it has been classified as a Variant of Uncertain Significance.